The following continues an entry in ClinVar:

NM_213599.3(ANO5):c.2272C>T (p.Arg758Cys)

Gene: ANO5. ClinVar aggregate classification (germline): Pathogenic. Pathogenic (1).

Submissions 10 to 25 of 25:

Molecular Genetics, Royal Melbourne Hospital
Classification: Pathogenic for Autosomal recessive limb-girdle muscular dystrophy type 2L. Last evaluated: 2023-03-30. Review status: criteria provided, single submitter. Criteria: ACMG Guidelines, 2015. Collection method: clinical testing. Allele origin: germline. Affected: yes. Not counted in ClinVar's aggregate classification.
Comment: This sequence change is predicted to replace arginine with cysteine at codon 758 of the ANO5 protein (p.(Arg758Cys)). The arginine residue is invariant across species (100 vertebrates, UCSC), and is located in the anoctamin domain. There is a large physicochemical difference between arginine and cysteine. The variant is present in a large population cohort at a frequency of 0.5% in the Finnish European population (rs137854529), and is recognised to be a Finnish founder mutation (PMID: 20096397, 22402862, 27911336; gnomAD v2.1.1 and v3.0). The frequency of the variant in the next most common population, European (non-Finnish), is 0.03%. This variant has been previously reported in affected individuals in homozygous state, and in heterozygous state along with another pathogenic variant (PM3_VeryStrong; PMID: 22402862, 21739273, 21186264, 22980763). It has been shown to segregate with disease in two affected siblings in the homozygous state (PP1; PMID: 20096397). Multiple lines of computational evidence predict a deleterious effect for the missense substitution (PP3; 5/6 algorithms). Based on the variant classification scheme RMH ACMG Guidelines v1.2.1, this variant is classified as PATHOGENIC. The following criteria are met: PM3_VeryStrong, PP1, PP3.

Athena Diagnostics
Classification: Pathogenic. Last evaluated: 2023-03-13. Review status: criteria provided, single submitter. Criteria: Athena Diagnostics Criteria. Collection method: clinical testing. Allele origin: unknown. Not counted in ClinVar's aggregate classification.
Comment: This variant is a common pathogenic variant associated with autosomal recessive muscular dystrophy and is considered a founder variant among individuals of Finnish ancestry (PMID: 27911336, 22402862). Therefore, the frequency of this variant in the general population is consistent with pathogenicity. In multiple individuals, including cases of limb girdle muscular dystrophy and Miyoshi myopathy, this variant has been seen with a single recessive pathogenic variant in the same gene, suggesting this variant may also be pathogenic. Computational tools predict that this variant is damaging.

MGZ Medical Genetics Center
Classification: Pathogenic for Autosomal recessive limb-girdle muscular dystrophy type 2L. Last evaluated: 2022-07-25. Review status: criteria provided, single submitter. Criteria: ACMG Guidelines, 2015. Collection method: clinical testing. Allele origin: germline. Affected: yes. Observed: 2 variant alleles. Not counted in ClinVar's aggregate classification.
Comment: ACMG criteria applied: PS4, PM3_STR, PP1_MOD, PP3

Mayo Clinic Laboratories, Mayo Clinic
Classification: Pathogenic. Last evaluated: 2022-01-12. Review status: criteria provided, single submitter. Criteria: ACMG Guidelines, 2015. Collection method: clinical testing. Allele origin: germline. Not counted in ClinVar's aggregate classification.
Comment: PP1, PP3, PM3_strong, PS4

Laboratory of Medical Genetics, National & Kapodistrian University of Athens
Classification: Likely pathogenic for Miyoshi muscular dystrophy 3. Last evaluated: 2021-10-01. Review status: criteria provided, single submitter. Criteria: ACMG Guidelines, 2015. Collection method: clinical testing. Allele origin: maternal. Affected: yes. Not counted in ClinVar's aggregate classification.
Comment: PM2, PM3, PP3, PP5

Institute of Medical Genetics and Applied Genomics, University Hospital Tübingen
Classification: Pathogenic. Last evaluated: 2020-10-23. Review status: criteria provided, single submitter. Criteria: ACMG Guidelines, 2015. Collection method: clinical testing. Allele origin: germline. Inheritance: Autosomal unknown. Affected: yes. Not counted in ClinVar's aggregate classification.

Broad Center for Mendelian Genomics, Broad Institute of MIT and Harvard
Classification: Pathogenic for Autosomal recessive limb-girdle muscular dystrophy type 2L. Last evaluated: 2018-12-03. Review status: criteria provided, single submitter. Criteria: ACMG Guidelines, 2015. Collection method: research. Allele origin: germline. Inheritance: Autosomal recessive inheritance. Affected: yes. Not counted in ClinVar's aggregate classification.
Comment: This variant has been identified in 0.06604% (182/275600) of chromosomes by the Genome Aggregation Database (gnomAD; dbSNP rs137854529). Although this variant has been seen in the general population, its frequency is low enough to be consistent with a recessive carrier frequency. Computational prediction tools and conservation analyses suggest that this variant may impact the protein, though this information is not predictive enough to determine pathogenicity. The p.Arg758Cys variant in ANO5 has been reported in 26 individuals with ANO5-associated muscular dystrophy in the literature and segregated with disease in 4 affected relatives from 2 families (PMID: 27911336, 22402862, 21739273, 21186264, 20096397, 22980763). The presence of this variant in combination with 5 reported pathogenic (or likely pathogenic) variants and in 15 individuals with muscular dystrophy increases the likelihood that the p.Arg758Cys variant is pathogenic (PMID: 22980763). This variant has also been reported pathogenic in ClinVar (Variation ID: 2166). In summary, this variant meets criteria to be classified as pathogenic for LGMD in an autosomal recessive manner based on reports in ClinVar and multiple occurrences with reported pathogenic ANO5 variants in individuals with muscular dystrophy. ACMG/AMP Criteria applied: PM2, PP3, PP1_Moderate, PM3_VeryStrong (Richards 2015).

Eurofins Ntd Llc (ga)
Classification: Pathogenic. Last evaluated: 2018-07-31. Review status: criteria provided, single submitter. Criteria: EGL ClinVar v180209 classification definitions. Collection method: clinical testing. Allele origin: germline. Observed: 19 variant alleles, 17 heterozygotes, 2 homozygotes. Not counted in ClinVar's aggregate classification.

Laboratory for Molecular Medicine, Mass General Brigham Personalized Medicine
Classification: Pathogenic for Limb-girdle muscular dystrophy, type 2L. Last evaluated: 2014-07-28. Review status: criteria provided, single submitter. Criteria: LMM Criteria. Collection method: clinical testing. Allele origin: germline. Inheritance: Autosomal recessive inheritance. Observed: 1 variant allele. Study: CSER-MedSeq. Not counted in ClinVar's aggregate classification.
Comment: The Arg758Cys variant in ANO5 has been reported in >20 homozygous and compound heterozygous individuals with muscular dystrophy and was found to segregate with disease in 3 affected relatives (Bolduc 2010, Hicks 2011, Penttila 2010, Sarkozy 2012). This variant has been identified in 1% (2/186) of Finnish chromosomes by the 1000 Genomes Project (dbSNP rs157854529) and is a known Finnish founder variant. Although this variant has been seen in the general population, its frequency is low enough to be consistent with a recessive carrier frequency. Computational analyses (biochemical amino acid properties, conservation, PolyPhen2, and SIFT) suggest that the p.Arg758Cys variant may impact the protein, though this information is not predictive enough to determine pathogenicity. In summary, this variant meets our criteria to be classified as pathogenic.

Reproductive Health Research and Development, BGI Genomics
Classification: Pathogenic for Miyoshi muscular dystrophy 3. Last evaluated: 2020-01-06. Review status: no assertion criteria provided. Collection method: curation. Allele origin: germline. Not counted in ClinVar's aggregate classification.
Comment: NM_213599.2:c.2272C>T in the ANO5 gene has an allele frequency of 0.005 in European (Finnish) subpopulation in the gnomAD database. Sarkozy et al. reported two patients with Limb girdle muscular dystrophy type 2L harboring 2272C>T/191dupA (PMID: 22980763; PMID: 25135358). The parents are carrier and two of their children are homozygous (PMID: 20096397). In addition, Penttila et al reported homozygous in 9 Finnish patients (PMID: 22402862). This variant is considered as a founder mutation in the Finnish population. Pathogenic computational verdict because pathogenic predictions from DANN, EIGEN, FATHMM-MKL, M-CAP, MVP, MutationAssessor, MutationTaster, REVEL and SIFT. Taken together, we interprete this variant as Pathogenic/Likely pathogenic. ACMG/AMP Criteria applied: PS4; PM3_Strong; PP3, PP1.

OMIM
Classification: Pathogenic for MIYOSHI MUSCULAR DYSTROPHY 3. Last evaluated: 2012-03-20. Review status: no assertion criteria provided. Collection method: literature only. Allele origin: germline. Not counted in ClinVar's aggregate classification.

OMIM
Classification: Pathogenic for MUSCULAR DYSTROPHY, LIMB-GIRDLE, AUTOSOMAL RECESSIVE 12. Last evaluated: 2012-03-20. Review status: no assertion criteria provided. Collection method: literature only. Allele origin: germline. Not counted in ClinVar's aggregate classification.

ANO5 @LOVD
No classification provided. Review status: no classification provided. Collection method: not provided. Allele origin: unknown. Not counted in ClinVar's aggregate classification.

Diagnostic Laboratory, Department of Genetics, University Medical Center Groningen
Classification: Pathogenic. Review status: no assertion criteria provided. Collection method: clinical testing. Allele origin: germline. Affected: yes. Study: VKGL Data-share Consensus. Not counted in ClinVar's aggregate classification.

GeneReviews
No classification provided. Condition: Miyoshi muscular dystrophy 3. Review status: no classification provided. Collection method: literature only. Allele origin: unknown. Not counted in ClinVar's aggregate classification.

Joint Genome Diagnostic Labs from Nijmegen and Maastricht, Radboudumc and MUMC+
Classification: Likely pathogenic. Review status: no assertion criteria provided. Collection method: clinical testing. Allele origin: germline. Affected: yes. Study: VKGL Data-share Consensus. Not counted in ClinVar's aggregate classification.

Literature cited by the submitters: PubMed 20096397 (cited by 9 submitters); PubMed 21186264 (cited by 7 submitters); PubMed 21739273 (cited by 4 submitters); PubMed 22402862 (cited by 8 submitters); PubMed 22980763 (cited by 7 submitters); PubMed 24803842 (cited by Labcorp Genetics (formerly Invitae), Labcorp and Mayo Clinic Laboratories, Mayo Clinic); PubMed 25135358 (cited by 4 submitters); PubMed 27911336 (cited by 5 submitters); 30564623 (cited by Rady Children's Institute for Genomic Medicine, Rady Children's Hospital San Diego); 31395899 (cited by Rady Children's Institute for Genomic Medicine, Rady Children's Hospital San Diego); 34418069 (cited by Rady Children's Institute for Genomic Medicine, Rady Children's Hospital San Diego); 35239206 (cited by Rady Children's Institute for Genomic Medicine, Rady Children's Hospital San Diego); 28176803 (cited by Rady Children's Institute for Genomic Medicine, Rady Children's Hospital San Diego); PubMed 17132147 (cited by Athena Diagnostics and OMIM); PubMed 31395899 (cited by Athena Diagnostics and Mayo Clinic Laboratories, Mayo Clinic); PubMed 25891276 (cited by Athena Diagnostics); PubMed 28489263 (cited by Athena Diagnostics); PubMed 31353849 (cited by Athena Diagnostics); PubMed 31341644 (cited by Athena Diagnostics); PubMed 23670307 (cited by Athena Diagnostics); PubMed 30564623 (cited by Athena Diagnostics); PubMed 20692837 (cited by Athena Diagnostics); PubMed 34008892 (cited by Athena Diagnostics and Laboratory of Medical Genetics, National & Kapodistrian University of Athens); PubMed 31589614 (cited by Mayo Clinic Laboratories, Mayo Clinic); PubMed 23193613 (cited by GeneReviews); NCBI Bookshelf NBK114459 (cited by GeneReviews).